The following is an entry in ClinVar:

NM_004006.3(DMD):c.8911C>T (p.Leu2971Phe)

Gene: DMD (dystrophin; minus strand). Cytogenetic location: Xp21.2.
Variant type: single nucleotide variant.
Coding change: c.8911C>T on transcript NM_004006.3 (MANE Select); coding-DNA position 8911, C replaced by T.
Protein change: p.Leu2971Phe; replaces leucine 2971 with phenylalanine.
Molecular consequence: missense variant.
Genome position (GRCh38, 1-based): chrX:31,478,132, G>A on the plus strand (C>T on the coding strand, the complement: DMD is on the minus strand). VCF-style: chrX-31478132-G-A. GRCh37 (hg19) VCF-style: chrX-31496249-G-A.
Other names: c.8887C>T, p.Leu2963Phe (NM_000109.4); c.8899C>T, p.Leu2967Phe (NM_004009.3); c.8542C>T, p.Leu2848Phe (NM_004010.3); c.4888C>T, p.Leu1630Phe (NM_004011.4); c.4879C>T, p.Leu1627Phe (NM_004012.4); c.1531C>T, p.Leu511Phe (NM_004013.3, NM_004020.4, NM_004021.3 and 2 more transcripts); c.724C>T, p.Leu242Phe (NM_004014.3); short protein forms L511F, L1627F, L1630F, L2963F, L2971F, L242F, L2848F, L2967F.
Identifiers: ClinVar variation 4691334 (VCV004691334.1).

ClinVar aggregate classification (germline): Uncertain significance (1 of 4 stars; one submission).

Conditions:
Duchenne muscular dystrophy (DMD). Also called: MUSCULAR DYSTROPHY, PSEUDOHYPERTROPHIC PROGRESSIVE, DUCHENNE TYPE; Duchenne Muscular Dystrophy (DMD). Identifiers: Orphanet 98896, MedGen C0013264, MONDO:0010679, OMIM 310200.

Submission:

Labcorp Genetics (formerly Invitae), Labcorp
Classification: Uncertain significance for Duchenne muscular dystrophy. Last evaluated: 2025-09-07. Review status: criteria provided, single submitter. Criteria: Invitae Variant Classification Sherloc (09022015). Collection method: clinical testing. Allele origin: germline.
Comment: This sequence change replaces leucine, which is neutral and non-polar, with phenylalanine, which is neutral and non-polar, at codon 2971 of the DMD protein (p.Leu2971Phe). This variant is not present in population databases (gnomAD no frequency). This variant has not been reported in the literature in individuals affected with DMD-related conditions. Invitae Evidence Modeling of protein sequence and biophysical properties (such as structural, functional, and spatial information, amino acid conservation, physicochemical variation, residue mobility, and thermodynamic stability) indicates that this missense variant is not expected to disrupt DMD protein function with a negative predictive value of 95%. In summary, the available evidence is currently insufficient to determine the role of this variant in disease. Therefore, it has been classified as a Variant of Uncertain Significance.